The following is an entry in ClinVar:

ClinVar aggregate classification (germline): Uncertain significance. Review status: criteria provided, multiple submitters, no conflicts (2 of 4 stars). 3 submissions from 3 submitters: Uncertain significance (3). Last evaluated 2025-08-26.

Conditions:
Nephronophthisis. Also called: Juvenile Nephronophthisis. Identifiers: Orphanet 655, MedGen C0687120, MONDO:0019005, HP:0000090.
Inborn genetic diseases. Identifiers: MedGen C0950123, MeSH D030342.

Allele frequency attached by ClinVar (database versions not stated): gnomAD exomes 0.00001; gnomAD 0.00002 and 0.00003; TOPMed 0.00002; 1000 Genomes Project 30x 0.00016; 1000 Genomes Project 0.00020.
gnomAD v4.1: 14 of 1,613,584 alleles (0.00087%); highest among the groups gnomAD compares: Admixed American, 0.0017%; no homozygotes.

Submissions (3):

Ambry Genetics
Classification: Uncertain significance for Inborn genetic diseases. Last evaluated: 2025-08-26. Review status: criteria provided, single submitter. Criteria: Ambry Variant Classification Scheme 2023. Collection method: clinical testing. Allele origin: germline.

Labcorp Genetics (formerly Invitae), Labcorp
Classification: Uncertain significance for Nephronophthisis. Last evaluated: 2020-10-26. Review status: criteria provided, single submitter. Criteria: Invitae Variant Classification Sherloc (09022015). Collection method: clinical testing. Allele origin: germline.
Comment: In summary, the available evidence is currently insufficient to determine the role of this variant in disease. Therefore, it has been classified as a Variant of Uncertain Significance. Algorithms developed to predict the effect of missense changes on protein structure and function are either unavailable or do not agree on the potential impact of this missense change (SIFT: "Deleterious"; PolyPhen-2: "Probably Damaging"; Align-GVGD: "Class C0"). This variant has not been reported in the literature in individuals with NPHP4-related conditions. This variant is present in population databases (rs577635238, ExAC 0.01%). This sequence change replaces proline with leucine at codon 810 of the NPHP4 protein (p.Pro810Leu). The proline residue is moderately conserved and there is a moderate physicochemical difference between proline and leucine.

GeneDx
Classification: Uncertain significance. Last evaluated: 2019-05-06. Review status: criteria provided, single submitter. Criteria: GeneDx Variant Classification Process June 2021. Collection method: clinical testing. Allele origin: germline. Affected: yes.
Comment: In silico analysis, which includes protein predictors and evolutionary conservation, supports a deleterious effect; Has not been previously published as pathogenic or benign to our knowledge

NM_015102.5(NPHP4):c.2429C>T (p.Pro810Leu)

Gene: NPHP4 (nephrocystin 4; minus strand). Cytogenetic location: 1p36.31.
Variant type: single nucleotide variant.
Coding change: c.2429C>T on transcript NM_015102.5 (MANE Select); coding-DNA position 2429, C replaced by T.
Protein change: p.Pro810Leu; replaces proline 810 with leucine.
Molecular consequence: missense variant. On other transcripts: non-coding transcript variant (1).
Genome position (GRCh38, 1-based): chr1:5,887,342, G>A on the plus strand (C>T on the coding strand, the complement: NPHP4 is on the minus strand). VCF-style: chr1-5887342-G-A. GRCh37 (hg19) VCF-style: chr1-5947402-G-A.
Other names: c.890C>T, p.Pro297Leu (NM_001291593.2); c.893C>T, p.Pro298Leu (NM_001291594.2); short protein forms P297L, P298L, P810L.
Identifiers: ClinVar variation 1006159 (VCV001006159.9), dbSNP rs577635238, ClinGen allele CA554125.
Genomic context (GRCh38, chr1:5,887,342, plus strand): 5'-TTACCCACGTTGGCCAAAGTCAGGTGCAGCCGGCCCTTCACCACCGAGTGGACGCCGATG[G>A]GCTTGACGCGGCCAAACCCCAGCATGTCTCCACTCACCACCATGTTGTCCTGCTCGTATT-3'
Protein context (NP_055917.1, residues 800-820): GDMLGFGRVK[Pro810Leu]IGVHSVVKGR